The following is an entry in ClinVar:

NM_003332.4(TYROBP):c.67C>T (p.Arg23Cys)

Gene: TYROBP (transmembrane immune signaling adaptor TYROBP; minus strand). Cytogenetic location: 19q13.12.
Variant type: single nucleotide variant.
Coding change: c.67C>T on transcript NM_003332.4 (MANE Select); coding-DNA position 67, C replaced by T.
Protein change: p.Arg23Cys; replaces arginine 23 with cysteine.
Molecular consequence: missense variant. On other transcripts: intron variant (2).
Genome position (GRCh38, 1-based): chr19:35,907,757, G>A on the plus strand (C>T on the coding strand, the complement: TYROBP is on the minus strand). VCF-style: chr19-35907757-G-A. GRCh37 (hg19) VCF-style: chr19-36398659-G-A.
Other names: c.67C>T, p.Arg23Cys (NM_198125.3); c.62-177C>T (NM_001173515.2, NM_001173514.2); short protein forms R23C.
Identifiers: ClinVar variation 1471004 (VCV001471004.5), dbSNP rs769635655, ClinGen allele CA9393133.

ClinVar aggregate classification (germline): Uncertain significance (1 of 4 stars; one submission).

Allele frequency attached by ClinVar (database versions not stated): gnomAD exomes 0.00003; ExAC 0.00001; gnomAD 0.00002; TOPMed 0.00005.

Submission:

Labcorp Genetics (formerly Invitae), Labcorp
Classification: Uncertain significance. Last evaluated: 2021-12-02. Review status: criteria provided, single submitter. Criteria: Invitae Variant Classification Sherloc (09022015). Collection method: clinical testing. Allele origin: germline.
Comment: This sequence change replaces arginine, which is basic and polar, with cysteine, which is neutral and slightly polar, at codon 23 of the TYROBP protein (p.Arg23Cys). This variant is present in population databases (rs769635655, gnomAD 0.01%). This missense change has been observed in individual(s) with early-onset Alzheimer's disease (PMID: 27658901). Algorithms developed to predict the effect of missense changes on protein structure and function output the following: SIFT: "Not Available"; PolyPhen-2: "Benign"; Align-GVGD: "Not Available". The cysteine amino acid residue is found in multiple mammalian species, which suggests that this missense change does not adversely affect protein function. In summary, the available evidence is currently insufficient to determine the role of this variant in disease. Therefore, it has been classified as a Variant of Uncertain Significance.

Literature cited by the submitters: PubMed 27658901.